The following is an entry in ClinVar:

ClinVar aggregate classification (germline): Uncertain significance (1 of 4 stars; one submission).

Conditions:
Combined immunodeficiency due to LRBA deficiency. Also called: Common variable immunodeficiency 8, with autoimmunity. Identifiers: Orphanet 445018, MedGen C3553512, MONDO:0013863, OMIM 614700.

Submission:

Labcorp Genetics (formerly Invitae), Labcorp
Classification: Uncertain significance for Combined immunodeficiency due to LRBA deficiency. Last evaluated: 2021-02-26. Review status: criteria provided, single submitter. Criteria: Invitae Variant Classification Sherloc (09022015). Collection method: clinical testing. Allele origin: germline.
Comment: This sequence change replaces proline with alanine at codon 1999 of the LRBA protein (p.Pro1999Ala). The proline residue is weakly conserved and there is a small physicochemical difference between proline and alanine. This variant is not present in population databases (ExAC no frequency). This variant has not been reported in the literature in individuals with LRBA-related conditions. Algorithms developed to predict the effect of missense changes on protein structure and function are either unavailable or do not agree on the potential impact of this missense change (SIFT: "Tolerated"; PolyPhen-2: "Probably Damaging"; Align-GVGD: "Class C0"). In summary, the available evidence is currently insufficient to determine the role of this variant in disease. Therefore, it has been classified as a Variant of Uncertain Significance.

NM_001364905.1(LRBA):c.5995C>G (p.Pro1999Ala)

Gene: LRBA (LPS responsive beige-like anchor protein; minus strand). Cytogenetic location: 4q31.3.
Variant type: single nucleotide variant.
Coding change: c.5995C>G on transcript NM_001364905.1 (MANE Select); coding-DNA position 5995, C replaced by G.
Protein change: p.Pro1999Ala; replaces proline 1999 with alanine.
Molecular consequence: missense variant.
Genome position (GRCh38, 1-based): chr4:150,599,058, G>C on the plus strand (C>G on the coding strand, the complement: LRBA is on the minus strand). VCF-style: chr4-150599058-G-C. GRCh37 (hg19) VCF-style: chr4-151520210-G-C.
Other names: c.5995C>G, p.Pro1999Ala (NM_001199282.3, NM_001367550.1, NM_006726.5); short protein forms P1999A.
Identifiers: ClinVar variation 1045952 (VCV001045952.8), dbSNP rs1773825064, ClinGen allele CA358606942.
Genomic context (GRCh38, chr4:150,599,058, plus strand): 5'-TACACTGACCATGTTCCACGGCTGTTTTTAGTGTCGCTTCAGGATGTGTCGATCCTAGAG[G>C]GTTACGCACAAATCGTCGCCGGCGCCGCAAGTCATCTTCCCAGTAGTCAAGGCGCCAGAA-3'
Protein context (NP_001351834.1, residues 1989-2009): LRRRRRFVRN[Pro1999Ala]LGSTHPEATL